The following is an entry in ClinVar:

NM_006662.3(SRCAP):c.133G>A (p.Gly45Ser)

Gene: SRCAP (Snf2 related CREBBP activator protein; plus strand). Cytogenetic location: 16p11.2.
Variant type: single nucleotide variant.
Coding change: c.133G>A on transcript NM_006662.3 (MANE Select); coding-DNA position 133, G replaced by A.
Protein change: p.Gly45Ser; replaces glycine 45 with serine.
Molecular consequence: missense variant.
Genome position (GRCh38, 1-based): chr16:30,704,142, G>A. VCF-style: chr16-30704142-G-A. GRCh37 (hg19) VCF-style: chr16-30715463-G-A.
Other names: short protein forms G45S.
Identifiers: ClinVar variation 2792065 (VCV002792065.3), dbSNP rs188276509, ClinGen allele CA8010590.
Genomic context (GRCh38, chr16:30,704,142, plus strand): 5'-ACAGGCAGCAATCCTGTGTCCCCTGCCTCATCCAGTTCCCCAGCCTCTAGTGGGGCAGGC[G>A]GCATCTCCCCGCAGCACATAGCTCAAGATTCCTCACTGGATGGACCTCCAGGCCCCCCAG-3'
Protein context (NP_006653.2, residues 35-55): SSSPASSGAG[Gly45Ser]ISPQHIAQDS

ClinVar aggregate classification (germline): Uncertain significance (1 of 4 stars; one submission).

Allele frequency attached by ClinVar (database versions not stated): gnomAD exomes below 0.00001; TOPMed below 0.00001; ExAC 0.00001; gnomAD 0.00001; 1000 Genomes Project 30x 0.00016; 1000 Genomes Project 0.00020.
gnomAD v4.1: 6 of 1,614,168 alleles (0.00037%); highest among the groups gnomAD compares: Middle Eastern, 0.017%; no homozygotes.

Submission:

Labcorp Genetics (formerly Invitae), Labcorp
Classification: Uncertain significance. Last evaluated: 2022-12-02. Review status: criteria provided, single submitter. Criteria: Invitae Variant Classification Sherloc (09022015). Collection method: clinical testing. Allele origin: germline.
Comment: In summary, the available evidence is currently insufficient to determine the role of this variant in disease. Therefore, it has been classified as a Variant of Uncertain Significance. Advanced modeling of protein sequence and biophysical properties (such as structural, functional, and spatial information, amino acid conservation, physicochemical variation, residue mobility, and thermodynamic stability) performed at Invitae indicates that this missense variant is not expected to disrupt SRCAP protein function. This variant has not been reported in the literature in individuals affected with SRCAP-related conditions. This variant is present in population databases (rs188276509, gnomAD 0.006%). This sequence change replaces glycine, which is neutral and non-polar, with serine, which is neutral and polar, at codon 45 of the SRCAP protein (p.Gly45Ser).